The following is an entry in ClinVar:

NM_024589.3(ROGDI):c.52G>T (p.Glu18Ter)

Gene: ROGDI (rogdi atypical leucine zipper; minus strand). Cytogenetic location: 16p13.3.
Variant type: single nucleotide variant.
Coding change: c.52G>T on transcript NM_024589.3 (MANE Select); coding-DNA position 52, G replaced by T.
Protein change: p.Glu18Ter; replaces glutamic acid 18 with a stop codon.
Molecular consequence: nonsense. On other transcripts: non-coding transcript variant (1).
Genome position (GRCh38, 1-based): chr16:4,802,447, C>A on the plus strand (G>T on the coding strand, the complement: ROGDI is on the minus strand). VCF-style: chr16-4802447-C-A. GRCh37 (hg19) VCF-style: chr16-4852448-C-A.
Other names: short protein forms E18*.
Identifiers: ClinVar variation 1378437 (VCV001378437.6), dbSNP rs1221411185, ClinGen allele CA394656666.

ClinVar aggregate classification (germline): Pathogenic (1 of 4 stars; one submission).

Conditions:
Amelocerebrohypohidrotic syndrome (KTZS). Also called: Kohlschutter's syndrome; EPILEPSY AND YELLOW TEETH; EPILEPSY, DEMENTIA, AND AMELOGENESIS IMPERFECTA; KOHLSCHUTTER SYNDROME. Identifiers: Orphanet 1946, MedGen C0406740, MONDO:0009185, OMIM 226750.

Allele frequency attached by ClinVar (database versions not stated): gnomAD 0.00001; TOPMed 0.00001; gnomAD exomes 0.00002.
gnomAD v4.1: 7 of 1,424,104 alleles (0.00049%); highest among the groups gnomAD compares: South Asian, 0.0015%; no homozygotes.

Submission:

Labcorp Genetics (formerly Invitae), Labcorp
Classification: Pathogenic for Amelocerebrohypohidrotic syndrome. Last evaluated: 2025-07-06. Review status: criteria provided, single submitter. Criteria: Invitae Variant Classification Sherloc (09022015). Collection method: clinical testing. Allele origin: germline.
Comment: This sequence change creates a premature translational stop signal (p.Glu18*) in the ROGDI gene. It is expected to result in an absent or disrupted protein product. Loss-of-function variants in ROGDI are known to be pathogenic (PMID: 22424600, 23086778). The frequency data for this variant in the population databases is considered unreliable, as metrics indicate poor data quality at this position in the gnomAD database. This variant has not been reported in the literature in individuals affected with ROGDI-related conditions. ClinVar contains an entry for this variant (Variation ID: 1378437). For these reasons, this variant has been classified as Pathogenic.

Literature cited by the submitters: PubMed 22424600; PubMed 23086778.